The following is an entry in ClinVar:

ClinVar aggregate classification (germline): Uncertain significance (1 of 4 stars; one submission).

Conditions:
Cardiovascular phenotype. Identifiers: MedGen CN230736.

Submission:

Ambry Genetics
Classification: Uncertain significance for Cardiovascular phenotype. Last evaluated: 2026-07-28. Review status: criteria provided, single submitter. Criteria: Ambry Variant Classification Scheme 2023. Collection method: clinical testing. Allele origin: germline.
Comment: The p.H1045Y variant (also known as c.3133C>T), located in coding exon 20 of the FLNC gene, results from a C to T substitution at nucleotide position 3133. The histidine at codon 1045 is replaced by tyrosine, an amino acid with similar properties. This amino acid position is conserved. In addition, this alteration is predicted to be tolerated by in silico analysis. Based on the available evidence, the clinical significance of this variant remains unclear.

NM_001458.5(FLNC):c.3133C>T (p.His1045Tyr)

Gene: FLNC (filamin C; plus strand). Cytogenetic location: 7q32.1.
Variant type: single nucleotide variant.
Coding change: c.3133C>T on transcript NM_001458.5 (MANE Select); coding-DNA position 3133, C replaced by T.
Protein change: p.His1045Tyr; replaces histidine 1045 with tyrosine.
Molecular consequence: missense variant.
Genome position (GRCh38, 1-based): chr7:128,844,207, C>T. VCF-style: chr7-128844207-C-T. GRCh37 (hg19) VCF-style: chr7-128484261-C-T.
Other names: c.3133C>T, p.His1045Tyr (NM_001127487.2); short protein forms H1045Y.
Identifiers: ClinVar variation 5021958 (VCV005021958.1).